The following is an entry in ClinVar:

NM_153252.5(BRWD3):c.5143G>A (p.Gly1715Ser)

Gene: BRWD3 (bromodomain and WD repeat domain containing 3; minus strand). Cytogenetic location: Xq21.1.
Variant type: single nucleotide variant.
Coding change: c.5143G>A on transcript NM_153252.5 (MANE Select); coding-DNA position 5143, G replaced by A.
Protein change: p.Gly1715Ser; replaces glycine 1715 with serine.
Molecular consequence: missense variant.
Genome position (GRCh38, 1-based): chrX:80,676,875, C>T on the plus strand (G>A on the coding strand, the complement: BRWD3 is on the minus strand). VCF-style: chrX-80676875-C-T. GRCh37 (hg19) VCF-style: chrX-79932374-C-T.
Other names: p.Gly1715Ser; short protein forms G1715S.
Identifiers: ClinVar variation 3781342 (VCV003781342.1).
Genomic context (GRCh38, chrX:80,676,875, plus strand): 5'-TATCAAATTCATCATCTGCAATACGTGCTCGTTTGGCTCTGGTAGCTCCTCTAGAAGCAC[C>T]TCTTCCTCCTCTCCCTCTTCCCCTCCCCCTAGTGCCACCTCCACCTCTTCCTCGACTCCC-3'
Protein context (NP_694984.5, residues 1705-1725): RGRGRGRGGR[Gly1715Ser]ASRGATRAKR

ClinVar aggregate classification (germline): Uncertain significance (1 of 4 stars; one submission).

Conditions:
Intellectual developmental disorder, X-linked 93. Also called: MENTAL RETARDATION, X-LINKED, WITH MACROCEPHALY; Intellectual disability, X-linked 93. Identifiers: MedGen C1970841, MONDO:0010393, OMIM 300659.

Submission:

Foundation for Research in Genetics and Endocrinology, FRIGE's Institute of Human Genetics
Classification: Uncertain significance for Intellectual developmental disorder, X-linked 93. Last evaluated: 2025-03-27. Review status: criteria provided, single submitter. Criteria: ACMG Guidelines, 2015. Collection method: clinical testing. Allele origin: germline. Inheritance: X-linked recessive inheritance. Affected: yes. Observed: 1 hemizygote.
Comment: A hemizygous missense variant in exon 41 of the BRWD3 gene that results in an amino acid substitution of Serine for Glycine at codon 1715 was detected. The observed variant c.5143G>A (p.Gly1715Ser) has not been reported in the 1000 genomes and gnomAD databases. The in-silico prediction of the variant are possibly damaging by DANN, SIFT and REVEL. The reference codon is conserved across species. In summary, the variant meets our criteria to be classified as a variant of uncertain significance.